The following is an entry in ClinVar:

ClinVar aggregate classification (germline): Uncertain significance (1 of 4 stars; one submission).

Allele frequency attached by ClinVar (database versions not stated): gnomAD exomes below 0.00001; ExAC 0.00002; TOPMed 0.00002; gnomAD 0.00003.
gnomAD v4.1: 6 of 1,612,992 alleles (0.00037%); highest among the groups gnomAD compares: African/African-American, 0.008%; no homozygotes.

Submission:

Labcorp Genetics (formerly Invitae), Labcorp
Classification: Uncertain significance. Last evaluated: 2023-09-19. Review status: criteria provided, single submitter. Criteria: Invitae Variant Classification Sherloc (09022015). Collection method: clinical testing. Allele origin: germline.
Comment: This variant has not been reported in the literature in individuals affected with CFB-related conditions. This sequence change replaces glutamic acid, which is acidic and polar, with valine, which is neutral and non-polar, at codon 644 of the CFB protein (p.Glu644Val). This variant is present in population databases (rs771142888, gnomAD 0.01%). Advanced modeling of protein sequence and biophysical properties (such as structural, functional, and spatial information, amino acid conservation, physicochemical variation, residue mobility, and thermodynamic stability) performed at Invitae indicates that this missense variant is not expected to disrupt CFB protein function. In summary, the available evidence is currently insufficient to determine the role of this variant in disease. Therefore, it has been classified as a Variant of Uncertain Significance.

NM_001710.6(CFB):c.1931A>T (p.Glu644Val)

Gene: CFB (complement factor B; plus strand). Cytogenetic location: 6p21.33.
Variant type: single nucleotide variant.
Coding change: c.1931A>T on transcript NM_001710.6 (MANE Select); coding-DNA position 1931, A replaced by T.
Protein change: p.Glu644Val; replaces glutamic acid 644 with valine.
Molecular consequence: missense variant.
Genome position (GRCh38, 1-based): chr6:31,951,219, A>T. VCF-style: chr6-31951219-A-T. GRCh37 (hg19) VCF-style: chr6-31918996-A-T.
Other names: short protein forms E644V.
Identifiers: ClinVar variation 2960564 (VCV002960564.3), dbSNP rs771142888, ClinGen allele CA3728496.